The following is an entry in ClinVar:

NM_006186.4(NR4A2):c.709_711del (p.Ile237del)

Gene: NR4A2 (nuclear receptor subfamily 4 group A member 2; minus strand). Cytogenetic location: 2q24.1.
Variant type: Deletion.
Coding change: c.709_711del on transcript NM_006186.4 (MANE Select); coding-DNA positions 709 to 711, 3 bases deleted (ATC; older notation c.709_711delATC).
Protein change: p.Ile237del; deletes isoleucine 237.
Molecular consequence: inframe deletion.
Genome position (GRCh38, 1-based): chr2:156,329,476-156,329,478, GAT deleted on the plus strand (ATC on the coding strand, the reverse complement: NR4A2 is on the minus strand). VCF-style (leftmost placement, unchanged base first): chr2-156329475-CGAT-C. GRCh37 (hg19) VCF-style: chr2-157185987-CGAT-C.
Other names: c.520_522del, p.Ile174del (NM_173173.3); short protein forms I174del, I237del.
Identifiers: ClinVar variation 2631914 (VCV002631914.1), dbSNP rs2468286647, ClinGen allele CA2661539675.
Genomic context (GRCh38, chr2:156,329,475, plus strand): 5'-AGGGGGAGCCCCGCGACGGCGGTGAGGGCACCTGCGTGTCGAGCAGCTGAGACGCGTGGC[CGAT>C]CTGCAGGCCCGGGAAGCCCATGGACGCGGGCTTGCGAATGGGGTTGGGCACAGCGAAGGT-3'

ClinVar aggregate classification (germline): Uncertain significance (1 of 4 stars; one submission).

Conditions:
NR4A2-related disorder. Also called: NR4A2-related condition.

Allele frequency attached by ClinVar (database versions not stated): gnomAD exomes below 0.00001.

Submission:

PreventionGenetics, part of Exact Sciences
Classification: Uncertain significance for NR4A2-related condition. Last evaluated: 2023-10-05. Review status: criteria provided, single submitter. Criteria: ACMG Guidelines, 2015. Collection method: clinical testing. Allele origin: germline.
Comment: The NR4A2 c.709_711delATC variant is predicted to result in an in-frame deletion (p.Ile237del). To our knowledge, this variant has not been reported in the literature or in a large population database, indicating this variant is rare. At this time, the clinical significance of this variant is uncertain due to the absence of conclusive functional and genetic evidence.